The following is an entry in ClinVar:

NM_005076.5(CNTN2):c.954G>C (p.Gln318His)

Gene: CNTN2 (contactin 2; plus strand). Cytogenetic location: 1q32.1.
Variant type: single nucleotide variant.
Coding change: c.954G>C on transcript NM_005076.5 (MANE Select); coding-DNA position 954, G replaced by C.
Protein change: p.Gln318His; replaces glutamine 318 with histidine.
Molecular consequence: missense variant. On other transcripts: non-coding transcript variant (1).
Genome position (GRCh38, 1-based): chr1:205,061,401, G>C. VCF-style: chr1-205061401-G-C. GRCh37 (hg19) VCF-style: chr1-205030529-G-C.
Other names: c.954G>C, p.Gln318His (NM_001346083.2); short protein forms Q318H.
Identifiers: ClinVar variation 2062461 (VCV002062461.1), dbSNP rs776509986, ClinGen allele CA344409769.

ClinVar aggregate classification (germline): Uncertain significance (1 of 4 stars; one submission).

Conditions:
Epilepsy, familial adult myoclonic, 5 (EPEO5). Also called: CORTICAL MYOCLONIC TREMOR WITH EPILEPSY, FAMILIAL, 5. Identifiers: Orphanet 86814, MedGen C3809374, MONDO:0014167, OMIM 615400.

Allele frequency attached by ClinVar (database versions not stated): gnomAD exomes below 0.00001.

Submission:

Labcorp Genetics (formerly Invitae), Labcorp
Classification: Uncertain significance for Epilepsy, familial adult myoclonic, 5. Last evaluated: 2022-05-15. Review status: criteria provided, single submitter. Criteria: Invitae Variant Classification Sherloc (09022015). Collection method: clinical testing. Allele origin: germline.
Comment: This sequence change replaces glutamine, which is neutral and polar, with histidine, which is basic and polar, at codon 318 of the CNTN2 protein (p.Gln318His). This variant is not present in population databases (gnomAD no frequency). This variant has not been reported in the literature in individuals affected with CNTN2-related conditions. Advanced modeling of protein sequence and biophysical properties (such as structural, functional, and spatial information, amino acid conservation, physicochemical variation, residue mobility, and thermodynamic stability) performed at Invitae indicates that this missense variant is not expected to disrupt CNTN2 protein function. In summary, the available evidence is currently insufficient to determine the role of this variant in disease. Therefore, it has been classified as a Variant of Uncertain Significance.